The following is an entry in ClinVar:

NM_001044385.3(TMEM237):c.5G>C (p.Arg2Thr)

Genes: TMEM237 (transmembrane protein 237; minus strand), LOC129935417 (ATAC-STARR-seq lymphoblastoid silent region 12235; plus strand). Cytogenetic location: 2q33.1.
Variant type: single nucleotide variant.
Coding change: c.5G>C on transcript NM_001044385.3 (MANE Select); coding-DNA position 5, G replaced by C.
Protein change: p.Arg2Thr; replaces arginine 2 with threonine.
Molecular consequence: missense variant.
Genome position (GRCh38, 1-based): chr2:201,643,396, C>G on the plus strand (G>C on the coding strand, the complement: TMEM237 is on the minus strand). VCF-style: chr2-201643396-C-G. GRCh37 (hg19) VCF-style: chr2-202508119-C-G.
Other names: short protein forms R2T.
Identifiers: ClinVar variation 4805077 (VCV004805077.1).

ClinVar aggregate classification (germline): Uncertain significance (1 of 4 stars; one submission).

Conditions:
Joubert syndrome 14 (JBTS14). Identifiers: MedGen C3280766, MONDO:0013745, OMIM 614424.

gnomAD v4.1: 3 of 1,532,990 alleles (0.0002%); highest among the groups gnomAD compares: East Asian, 0.0052%; no homozygotes.

Submission:

Labcorp Genetics (formerly Invitae), Labcorp
Classification: Uncertain significance for Joubert syndrome 14. Last evaluated: 2025-06-10. Review status: criteria provided, single submitter. Criteria: Invitae Variant Classification Sherloc (09022015). Collection method: clinical testing. Allele origin: germline.
Comment: This sequence change replaces arginine, which is basic and polar, with threonine, which is neutral and polar, at codon 2 of the TMEM237 protein (p.Arg2Thr). This variant is present in population databases (no rsID available, gnomAD 0.04%). This variant has not been reported in the literature in individuals affected with TMEM237-related conditions. An algorithm developed to predict the effect of missense changes on protein structure and function (PolyPhen-2) suggests that this variant is likely to be tolerated. In summary, the available evidence is currently insufficient to determine the role of this variant in disease. Therefore, it has been classified as a Variant of Uncertain Significance.